The following is an entry in ClinVar:

ClinVar aggregate classification (germline): Uncertain significance (1 of 4 stars; one submission).

Conditions:
Facioscapulohumeral muscular dystrophy 2 (FSHD2). Also called: FACIOSCAPULOHUMERAL MUSCULAR DYSTROPHY 2, DIGENIC; FSHD2, DIGENIC; MUSCULAR DYSTROPHY, FACIOSCAPULOHUMERAL, TYPE 1B. Identifiers: Orphanet 269, MedGen C1834671, MONDO:0008031, OMIM 158901.

gnomAD v4.1: 1 of 1,612,558 alleles (0.000062%); highest among the groups gnomAD compares: South Asian, 0.0011%; no homozygotes.

Submission:

Labcorp Genetics (formerly Invitae), Labcorp
Classification: Uncertain significance for Facioscapulohumeral muscular dystrophy 2. Last evaluated: 2020-08-24. Review status: criteria provided, single submitter. Criteria: Invitae Variant Classification Sherloc (09022015). Collection method: clinical testing. Allele origin: germline.
Comment: This sequence change replaces aspartic acid with glutamic acid at codon 1758 of the SMCHD1 protein (p.Asp1758Glu). The aspartic acid residue is moderately conserved and there is a small physicochemical difference between aspartic acid and glutamic acid. This variant is not present in population databases (ExAC no frequency). This variant has not been reported in the literature in individuals with SMCHD1-related conditions. Algorithms developed to predict the effect of missense changes on protein structure and function (SIFT, PolyPhen-2, Align-GVGD) all suggest that this variant is likely to be tolerated, but these predictions have not been confirmed by published functional studies and their clinical significance is uncertain. In summary, the available evidence is currently insufficient to determine the role of this variant in disease. Therefore, it has been classified as a Variant of Uncertain Significance.

NM_015295.3(SMCHD1):c.5274C>G (p.Asp1758Glu)

Gene: SMCHD1 (structural maintenance of chromosomes flexible hinge domain containing 1; plus strand). Cytogenetic location: 18p11.32.
Variant type: single nucleotide variant.
Coding change: c.5274C>G on transcript NM_015295.3 (MANE Select); coding-DNA position 5274, C replaced by G.
Protein change: p.Asp1758Glu; replaces aspartic acid 1758 with glutamic acid.
Molecular consequence: missense variant.
Genome position (GRCh38, 1-based): chr18:2,775,832, C>G. VCF-style: chr18-2775832-C-G. GRCh37 (hg19) VCF-style: chr18-2775830-C-G.
Other names: short protein forms D1758E.
Identifiers: ClinVar variation 1052206 (VCV001052206.9), dbSNP rs377503335, ClinGen allele CA401684817.